The following is an entry in ClinVar:

NM_030957.4(ADAMTS10):c.198C>T (p.Arg66=)

Gene: ADAMTS10 (ADAM metallopeptidase with thrombospondin type 1 motif 10; minus strand). Cytogenetic location: 19p13.2.
Variant type: single nucleotide variant.
Coding change: c.198C>T on transcript NM_030957.4 (MANE Select); coding-DNA position 198, C replaced by T.
Protein change: p.Arg66=; no amino-acid change (arginine 66 retained).
Molecular consequence: synonymous variant.
Genome position (GRCh38, 1-based): chr19:8,605,249, G>A on the plus strand (C>T on the coding strand, the complement: ADAMTS10 is on the minus strand). VCF-style: chr19-8605249-G-A. GRCh37 (hg19) VCF-style: chr19-8670134-G-A.
Identifiers: ClinVar variation 741232 (VCV000741232.15), dbSNP rs149789969, ClinGen allele CA9160904.

ClinVar aggregate classification (germline): Conflicting classifications of pathogenicity. Review status: criteria provided, conflicting classifications (1 of 4 stars). 4 submissions from 4 submitters: Uncertain significance (1); Benign (1); Likely benign (1). 1 of the submissions does not count toward it. Last evaluated 2026-01-21.

Conditions:
ADAMTS10-related disorder. Also called: ADAMTS10-related condition.
Weill-Marchesani syndrome. Also called: WM Syndrome; Mesodermal dysmorphodystrophy congenital. Identifiers: Orphanet 3449, MedGen C0265313, MONDO:0018096.

Allele frequency attached by ClinVar (database versions not stated): TOPMed 0.00033; ESP Exome Variant Server 0.00054; 1000 Genomes Project 30x 0.00094; 1000 Genomes Project 0.00120.
gnomAD v4.1: 437 of 1,613,160 alleles (0.027%); highest among the groups gnomAD compares: South Asian, 0.24%; 3 homozygotes.

Submissions (4):

Labcorp Genetics (formerly Invitae), Labcorp
Classification: Benign. Last evaluated: 2026-01-21. Review status: criteria provided, single submitter. Criteria: Invitae Variant Classification Sherloc (09022015). Collection method: clinical testing. Allele origin: germline.

Blueprint Genetics
Classification: Likely benign. Last evaluated: 2024-11-25. Review status: criteria provided, single submitter. Criteria: ACMG Guidelines, 2015. Collection method: clinical testing. Allele origin: germline.

Illumina Laboratory Services, Illumina
Classification: Uncertain significance for Weill-Marchesani syndrome. Last evaluated: 2018-01-12. Review status: criteria provided, single submitter. Criteria: ICSL Variant Classification Criteria 13 December 2019. Collection method: clinical testing. Allele origin: germline.

PreventionGenetics, part of Exact Sciences
Classification: Likely benign for ADAMTS10-related condition. Last evaluated: 2019-07-30. Review status: no assertion criteria provided. Collection method: clinical testing. Allele origin: germline. Not counted in ClinVar's aggregate classification.
Comment: This variant is classified as likely benign based on ACMG/AMP sequence variant interpretation guidelines (Richards et al. 2015 PMID: 25741868, with internal and published modifications).